The following is an entry in ClinVar:

ClinVar aggregate classification (germline): Pathogenic/Likely pathogenic. Review status: criteria provided, multiple submitters, no conflicts (2 of 4 stars). 8 submissions from 8 submitters: Pathogenic (6); Likely pathogenic (2). Last evaluated 2026-04-14.

Conditions:
RNU2-2P-related disorders.
Developmental and epileptic encephalopathy. Identifiers: MedGen C5779964, MONDO:0100620.
Neurodevelopmental disorder. Identifiers: MedGen C1535926, MeSH D065886, MONDO:0700092.
Developmental and epileptic encephalopathy 119. Identifiers: MedGen C6065899, MONDO:1060177, OMIM 621304.

Submissions (8):

Institute for Genomic Medicine, Nationwide Children's Hospital
Classification: Pathogenic for Developmental and epileptic encephalopathy 119. Last evaluated: 2026-04-14. Review status: criteria provided, single submitter. Criteria: ACMG Guidelines, 2015. Collection method: clinical testing. Allele origin: de novo. Inheritance: Autosomal dominant inheritance. Affected: yes.
Comment: The NC_000011.10:g.62841806C>T variant alters a key position in the RNU2-2 gene (NR_199791.1:n.4G>A), which lies in the 5' UTR of an unrelated protein-coding gene. It has been reported, usually as a de novo mutation, in at least 20 patients in the literature but is absent from gnomAD (v4.1) and All Of Us (v6) databases. Multiple independent laboratories have reported this variant as pathogenic to ClinVar. We interpret the n.4G>A variant in RNU2-2 as Pathogenic.

Broad Center for Mendelian Genomics, Broad Institute of MIT and Harvard
Classification: Pathogenic for Neurodevelopmental disorder. Last evaluated: 2026-03-04. Review status: criteria provided, single submitter. Criteria: ACMG Guidelines, 2015. Collection method: research. Allele origin: germline. Inheritance: Autosomal dominant inheritance. Study: GREGoR Consortium.
Comment: The n.4G>A variant in RNU2-2 has been reported in 13 individuals with syndromic neurodevelopmental disorder, including 10 de novo occurrences (Greene 2025 PMID: 40210679). It was absent from large population studies. The RNU2-2 gene encodes a non-coding RNA that is a component of the major spliceosome complex. This variant lies in a highly constrained 40bp region of the gene and this variant position s a crucial interactor with U6 within the pre-B and B complexes (Greene 2024 PMID: 39281759). In summary, this variant meets criteria to be classified as pathogenic for autosomal dominant syndromic neurodevelopmental disorder. ACMG/AMP Criteria applied: PS2_very-strong, PM1, PM2_supporting, PS4_supporting.

Institute for Human Genetics, University Hospital Essen
Classification: Pathogenic for Developmental and epileptic encephalopathy 119. Last evaluated: 2025-11-27. Review status: criteria provided, single submitter. Criteria: Submitter's publication. Collection method: clinical testing. Allele origin: de novo. Inheritance: Autosomal dominant inheritance. Affected: yes. Observed: 21 variant alleles, 20 heterozygotes, 1 mosaic individual.
Comment: PS2, PS4, PM1, PM2_supp (criteria rationale detailed in Leitão et al. Nature Genetics 2026)

Clinical Genetics Laboratory, University Hospital Schleswig-Holstein
Classification: Pathogenic for Developmental and epileptic encephalopathy 119. Last evaluated: 2025-11-10. Review status: criteria provided, single submitter. Criteria: ACMG Guidelines, 2015. Collection method: clinical testing. Allele origin: de novo. Affected: yes. Observed: 1 heterozygote.
Comment: ACMG criteria applied: PM2, PS4_Supporting, PS2_VeryStrong

Hadassah Hebrew University Medical Center
Classification: Pathogenic for Neurodevelopmental disorder. Last evaluated: 2025-10-01. Review status: criteria provided, single submitter. Criteria: ACMG Guidelines, 2015. Collection method: clinical testing. Allele origin: germline. Affected: yes.
Comment: This variant has been reported in multiple unrelated individuals, presenting with a neurodevelopmental disorder.

Variantyx, Inc.
Classification: Likely pathogenic for RNU2-2P-related disorders. Last evaluated: 2025-10-01. Review status: criteria provided, single submitter. Criteria: Variantyx Assertion Criteria 2022. Collection method: clinical testing. Allele origin: de novo. Inheritance: Autosomal dominant inheritance. Affected: yes.
Comment: This is a variant in the small nuclear RNA gene, RNU2-2 (OMIM: 621238). Pathogenic variants in this gene have been associated with autosomal dominant developmental and epileptic encephalopathy 119 (OMIM: 621304). It has been reported in at least 10 unrelated affected individuals (PMID: 40210679, 40442284) (PS4_Moderate), while it is absent from control populations (PM2). Based on the current evidence, this variant is classified as likely pathogenic for autosomal dominant developmental and epileptic encephalopathy 119.

CeGaT Center for Human Genetics Tuebingen
Classification: Pathogenic. Last evaluated: 2025-04-01. Review status: criteria provided, single submitter. Criteria: CeGaT Center For Human Genetics Tuebingen Variant Classification Criteria Version 2. Collection method: clinical testing. Allele origin: germline. Affected: yes. Observed: 1 variant allele.
Comment: RNU2-2: PS2:Very Strong, PM2

AURAGEN, Plan France Médecine Génomique
Classification: Likely pathogenic for Developmental and epileptic encephalopathy. Last evaluated: 2022-05-05. Review status: criteria provided, single submitter. Criteria: PFMG2025 (Lancet Reg Health Eur. 2025). Collection method: clinical testing. Allele origin: germline. Affected: yes.

Literature cited by the submitters: PubMed 40210679 (cited by 3 submitters); PubMed 40442284 (cited by Variantyx, Inc.).

NR_199791.1(RNU2-2):n.4G>A

Genes: RNU2-2 (RNA, U2 small nuclear 2; minus strand), WDR74 (WD repeat domain 74; minus strand). Cytogenetic location: 11q12.3.
Variant type: single nucleotide variant.
Molecular consequence: non-coding transcript variant (on NR_199791.1). On other transcripts: 5 prime UTR variant (1).
Genome position: GRCh38 VCF-style: chr11-62841806-C-T. GRCh37 (hg19) VCF-style: chr11-62609278-C-T.
Other names: c.-535G>A (NM_001369451.1).
Identifiers: ClinVar variation 3898494 (VCV003898494.13).